The following is an entry in ClinVar:

ClinVar aggregate classification (germline): Uncertain significance (1 of 4 stars; one submission).

Conditions:
Pulmonary fibrosis and/or bone marrow failure, Telomere-related, 3. Also called: PULMONARY FIBROSIS AND/OR BONE MARROW FAILURE SYNDROME, TELOMERE-RELATED, 3. Identifiers: Orphanet 2032, MedGen C4225346, MONDO:0014613, OMIM 616373.
Dyskeratosis congenita, autosomal recessive 5 (DKCB5). Identifiers: MedGen C3554656, MONDO:0014076, OMIM 615190.

Submission:

Labcorp Genetics (formerly Invitae), Labcorp
Classification: Uncertain significance for Dyskeratosis congenita, autosomal recessive 5; Pulmonary fibrosis and/or bone marrow failure, Telomere-related, 3. Last evaluated: 2023-01-07. Review status: criteria provided, single submitter. Criteria: Invitae Variant Classification Sherloc (09022015). Collection method: clinical testing. Allele origin: germline.
Comment: In summary, the available evidence is currently insufficient to determine the role of this variant in disease. Therefore, it has been classified as a Variant of Uncertain Significance. Algorithms developed to predict the effect of missense changes on protein structure and function (SIFT, PolyPhen-2, Align-GVGD) all suggest that this variant is likely to be tolerated. This variant has not been reported in the literature in individuals affected with RTEL1-related conditions. This variant is not present in population databases (gnomAD no frequency). This sequence change replaces glutamic acid, which is acidic and polar, with aspartic acid, which is acidic and polar, at codon 1020 of the RTEL1 protein (p.Glu1020Asp).

NM_001283009.2(RTEL1):c.3060G>C (p.Glu1020Asp)

Genes: RTEL1 (regulator of telomere elongation helicase 1; plus strand), RTEL1-TNFRSF6B (RTEL1-TNFRSF6B readthrough (NMD candidate); plus strand). Cytogenetic location: 20q13.33.
Variant type: single nucleotide variant.
Coding change: c.3060G>C on transcript NM_001283009.2 (MANE Select); coding-DNA position 3060, G replaced by C.
Protein change: p.Glu1020Asp; replaces glutamic acid 1020 with aspartic acid.
Molecular consequence: missense variant. On other transcripts: non-coding transcript variant (1).
Genome position (GRCh38, 1-based): chr20:63,694,439, G>C. VCF-style: chr20-63694439-G-C. GRCh37 (hg19) VCF-style: chr20-62325792-G-C.
Other names: c.2391G>C, p.Glu797Asp (NM_001283010.1); c.3060G>C, p.Glu1020Asp (NM_016434.4); c.3132G>C, p.Glu1044Asp (NM_032957.5); short protein forms E1020D, E797D, E1044D.
Identifiers: ClinVar variation 1962637 (VCV001962637.5), dbSNP rs202131779, ClinGen allele CA409684555.